The following is an entry in ClinVar:

NM_000090.4(COL3A1):c.2296C>G (p.Pro766Ala)

Gene: COL3A1 (collagen type III alpha 1 chain; plus strand). Cytogenetic location: 2q32.2.
Variant type: single nucleotide variant.
Coding change: c.2296C>G on transcript NM_000090.4 (MANE Select); coding-DNA position 2296, C replaced by G.
Protein change: p.Pro766Ala; replaces proline 766 with alanine.
Molecular consequence: missense variant.
Genome position (GRCh38, 1-based): chr2:189,001,409, C>G. VCF-style: chr2-189001409-C-G. GRCh37 (hg19) VCF-style: chr2-189866135-C-G.
Other names: short protein forms P766A.
Identifiers: ClinVar variation 3074022 (VCV003074022.1), dbSNP rs2153503226, ClinGen allele CA349842361.

ClinVar aggregate classification (germline): Uncertain significance (1 of 4 stars; one submission).

Conditions:
Ehlers-Danlos syndrome, type 4 (EDSVASC). Also called: Ehlers-Danlos Syndrome Type IV; Ehlers-Danlos syndrome vascular type; Ehlers Danlos syndrome, ecchymotic type; Ehlers Danlos syndrome, arterial type; Ehlers Danlos syndrome, Sack-Barabas type. Identifiers: Orphanet 286, MedGen C0268338, MONDO:0017314, OMIM 130050.

Submission:

All of Us Research Program, National Institutes of Health
Classification: Uncertain significance for Ehlers-Danlos syndrome, type 4. Last evaluated: 2023-11-30. Review status: criteria provided, single submitter. Criteria: ACMG Guidelines, 2015. Collection method: clinical testing. Allele origin: germline. Inheritance: Autosomal dominant inheritance. Observed: 1 variant allele, 1 heterozygote.
Comment: This study involves interpretation of variants in research participants for the purpose of population health screening. Participant phenotype was not available at the time of variant classification. Additional details can be found in publication PMID: 35346344, PMCID: PMC8962531